The following is an entry in ClinVar:

ClinVar aggregate classification (germline): Uncertain significance (1 of 4 stars; one submission).

Submission:

Greenwood Genetic Center Diagnostic Laboratories, Greenwood Genetic Center
Classification: Uncertain significance. Last evaluated: 2024-01-10. Review status: criteria provided, single submitter. Criteria: ACMG Guidelines, 2015. Collection method: clinical testing. Allele origin: germline. Affected: yes.
Comment: Gene of Uncertain Significance

NM_001350145.3(PATJ):c.375G>T (p.Gln125His)

Gene: PATJ (PATJ crumbs cell polarity complex component; plus strand). Cytogenetic location: 1p31.3.
Variant type: single nucleotide variant.
Coding change: c.375G>T on transcript NM_001350145.3 (MANE Select); coding-DNA position 375, G replaced by T.
Protein change: p.Gln125His; replaces glutamine 125 with histidine.
Molecular consequence: missense variant.
Genome position (GRCh38, 1-based): chr1:61,766,464, G>T. VCF-style: chr1-61766464-G-T. GRCh37 (hg19) VCF-style: chr1-62232136-G-T.
Other names: c.375G>T, p.Gln125His (NM_170605.2, NM_176877.5); short protein forms Q125H.
Identifiers: ClinVar variation 3235829 (VCV003235829.1), dbSNP rs2523706877, ClinGen allele CA340541228.